The following is an entry in ClinVar:

ClinVar aggregate classification (germline): Uncertain significance. Review status: criteria provided, multiple submitters, no conflicts (2 of 4 stars). 2 submissions from 2 submitters: Uncertain significance (2). Last evaluated 2025-05-27.

Allele frequency attached by ClinVar (database versions not stated): ExAC 0.00003; gnomAD exomes 0.00005; gnomAD 0.00014 and 0.00016; ESP Exome Variant Server 0.00015; TOPMed 0.00017.
gnomAD v4.1: 54 of 1,572,954 alleles (0.0034%); highest among the groups gnomAD compares: African/African-American, 0.068%; no homozygotes.

Submissions (2):

Labcorp Genetics (formerly Invitae), Labcorp
Classification: Uncertain significance. Last evaluated: 2025-05-27. Review status: criteria provided, single submitter. Criteria: Invitae Variant Classification Sherloc (09022015). Collection method: clinical testing. Allele origin: germline.
Comment: This sequence change replaces isoleucine, which is neutral and non-polar, with phenylalanine, which is neutral and non-polar, at codon 454 of the GUF1 protein (p.Ile454Phe). This variant is present in population databases (rs375857921, gnomAD 0.04%). This variant has not been reported in the literature in individuals affected with GUF1-related conditions. ClinVar contains an entry for this variant (Variation ID: 1380377). Invitae Evidence Modeling of protein sequence and biophysical properties (such as structural, functional, and spatial information, amino acid conservation, physicochemical variation, residue mobility, and thermodynamic stability) indicates that this missense variant is not expected to disrupt GUF1 protein function with a negative predictive value of 80%. In summary, the available evidence is currently insufficient to determine the role of this variant in disease. Therefore, it has been classified as a Variant of Uncertain Significance.

Ambry Genetics
Classification: Uncertain significance. Last evaluated: 2021-10-05. Review status: criteria provided, single submitter. Criteria: Ambry Variant Classification Scheme 2023. Collection method: clinical testing. Allele origin: germline.

NM_021927.3(GUF1):c.1360A>T (p.Ile454Phe)

Gene: GUF1 (GTP binding elongation factor GUF1; plus strand). Cytogenetic location: 4p12.
Variant type: single nucleotide variant.
Coding change: c.1360A>T on transcript NM_021927.3 (MANE Select); coding-DNA position 1360, A replaced by T.
Protein change: p.Ile454Phe; replaces isoleucine 454 with phenylalanine.
Molecular consequence: missense variant.
Genome position (GRCh38, 1-based): chr4:44,690,741, A>T. VCF-style: chr4-44690741-A-T. GRCh37 (hg19) VCF-style: chr4-44692758-A-T.
Other names: c.388A>T, p.Ile130Phe (NM_001345867.2, NM_001345869.2); c.1360A>T, p.Ile454Phe (NM_001345868.2); c.1360A>T (NM_021927.2); short protein forms I454F, I130F.
Identifiers: ClinVar variation 1380377 (VCV001380377.7), dbSNP rs375857921, ClinGen allele CA2905625.